The following is an entry in ClinVar:

NM_000558.5(HBA1):c.88del (p.Leu30fs)

Genes: HBA1 (hemoglobin subunit alpha 1; plus strand), LOC106804613 (hemoglobin subunit alpha 1 recombination region; plus strand). Cytogenetic location: 16p13.3.
Variant type: Deletion.
Coding change: c.88del on transcript NM_000558.5 (MANE Select); coding-DNA position 88, one base deleted (C; older notation c.88delC).
Protein change: p.Leu30fs; shifts the reading frame from leucine 30.
Molecular consequence: frameshift variant.
Genome position (GRCh38, 1-based): chr16:176,804, C deleted; the last of 3 consecutive C bases (chr16:176,802-176,804); deleting any one gives the same sequence. VCF-style (leftmost placement, unchanged base first): chr16-176801-GC-G. GRCh37 (hg19) VCF-style: chr16-226800-GC-G.
Other names: short protein forms L30fs.
Identifiers: ClinVar variation 4814420 (VCV004814420.1).

ClinVar aggregate classification (germline): Likely pathogenic (1 of 4 stars; one submission).

Conditions:
alpha Thalassemia. Also called: Alpha thalassemia spectrum. Identifiers: Orphanet 846, MedGen C0002312, MONDO:0011399, OMIM 604131.

Submission:

Natera, Inc.
Classification: Likely pathogenic for Alpha thalassemia. Last evaluated: 2024-09-25. Review status: criteria provided, single submitter. Criteria: Natera Variant Classification Schema (03/2026). Collection method: clinical testing. Allele origin: germline.
Comment: The c.88del variant in HBA1 is a frameshift variant predicted to shift the reading frame beginning at codon 30 and leads to a stop codon 20 codons downstream. This variant is expected to result in nonsense mediated decay, truncation, or a dysfunctional protein product. This variant is rare in the general population with a frequency below the threshold expected for the associated phenotype(s). Given the available evidence, this variant is classified as Likely Pathogenic.